The following is an entry in ClinVar:

NC_000004.11:g.(?_129805632)_(129925051_?)dup

Gene: SCLT1 (sodium channel and clathrin linker 1; minus strand). Cytogenetic location: 4q28.2.
Variant type: Duplication.
Identifiers: ClinVar variation 1446492 (VCV001446492.4).

ClinVar aggregate classification (germline): Uncertain significance (1 of 4 stars; one submission).

Submission:

Labcorp Genetics (formerly Invitae), Labcorp
Classification: Uncertain significance. Last evaluated: 2022-10-24. Review status: criteria provided, single submitter. Criteria: Invitae Variant Classification Sherloc (09022015). Collection method: clinical testing. Allele origin: germline.
Comment: This variant results in a copy number gain of the genomic region encompassing exon(s) 6-21 of the SCLT1 gene. This region includes the termination codon of the gene. This copy number gain extends beyond the assayed region for this gene and therefore may encompass additional genes. As the precise location of this event is unknown, it may be in tandem or it may be located elsewhere in the genome. This variant has not been reported in the literature in individuals affected with SCLT1-related conditions. In summary, the available evidence is currently insufficient to determine the role of this variant in disease. Therefore, it has been classified as a Variant of Uncertain Significance.